The following is an entry in ClinVar:

ClinVar aggregate classification (germline): Uncertain significance (1 of 4 stars; one submission).

Conditions:
Hereditary cancer-predisposing syndrome. Also called: Tumor predisposition; Hereditary neoplastic syndrome; Hereditary Cancer Syndrome; Neoplastic Syndromes, Hereditary. Identifiers: Orphanet 140162, MedGen C0027672, MeSH D009386, MONDO:0015356.

Submission:

Ambry Genetics
Classification: Uncertain significance for Hereditary cancer-predisposing syndrome. Last evaluated: 2024-02-27. Review status: criteria provided, single submitter. Criteria: Ambry Variant Classification Scheme 2023. Collection method: clinical testing. Allele origin: germline.
Comment: The p.I470N variant (also known as c.1409T>A), located in coding exon 12 of the MRE11A gene, results from a T to A substitution at nucleotide position 1409. The isoleucine at codon 470 is replaced by asparagine, an amino acid with dissimilar properties. This amino acid position is conserved. In addition, the in silico prediction for this alteration is inconclusive. Based on the available evidence, the clinical significance of this alteration remains unclear.

NM_005591.4(MRE11):c.1409T>A (p.Ile470Asn)

Gene: MRE11 (MRE11 double strand break repair nuclease; minus strand). Cytogenetic location: 11q21.
Variant type: single nucleotide variant.
Coding change: c.1409T>A on transcript NM_005591.4 (MANE Select); coding-DNA position 1409, T replaced by A.
Protein change: p.Ile470Asn; replaces isoleucine 470 with asparagine.
Molecular consequence: missense variant.
Genome position (GRCh38, 1-based): chr11:94,459,499, A>T on the plus strand (T>A on the coding strand, the complement: MRE11 is on the minus strand). VCF-style: chr11-94459499-A-T. GRCh37 (hg19) VCF-style: chr11-94192665-A-T.
Other names: c.1409T>A, p.Ile470Asn (NM_001330347.2, NM_005590.4); short protein forms I470N.
Identifiers: ClinVar variation 3224824 (VCV003224824.1), dbSNP rs746648446, ClinGen allele CA382371878.